The following is an entry in ClinVar:

ClinVar aggregate classification (germline): Uncertain significance. Review status: criteria provided, multiple submitters, no conflicts (2 of 4 stars). 4 submissions from 4 submitters: Uncertain significance (4). Last evaluated 2025-05-25.

Conditions:
Colorectal cancer, hereditary nonpolyposis, type 7. Identifiers: Orphanet 144, MedGen C1858380, MONDO:0013725, OMIM 614385.

Allele frequency attached by ClinVar (database versions not stated): gnomAD 0.00001; TOPMed 0.00001; gnomAD exomes 0.00002; ExAC 0.00004.
gnomAD v4.1: 23 of 1,613,490 alleles (0.0014%); highest among the groups gnomAD compares: Middle Eastern, 0.016%; no homozygotes.

Submissions (4):

Labcorp Genetics (formerly Invitae), Labcorp
Classification: Uncertain significance for Colorectal cancer, hereditary nonpolyposis, type 7. Last evaluated: 2025-05-25. Review status: criteria provided, single submitter. Criteria: Invitae Variant Classification Sherloc (09022015). Collection method: clinical testing. Allele origin: germline.
Comment: This sequence change replaces arginine, which is basic and polar, with tryptophan, which is neutral and slightly polar, at codon 1251 of the MLH3 protein (p.Arg1251Trp). This variant is present in population databases (rs754799700, gnomAD 0.02%). This variant has not been reported in the literature in individuals affected with MLH3-related conditions. ClinVar contains an entry for this variant (Variation ID: 838432). An algorithm developed to predict the effect of missense changes on protein structure and function (PolyPhen-2) suggests that this variant is likely to be disruptive. In summary, the available evidence is currently insufficient to determine the role of this variant in disease. Therefore, it has been classified as a Variant of Uncertain Significance.

Center for Genomic Medicine, Rigshospitalet, Copenhagen University Hospital
Classification: Uncertain significance. Last evaluated: 2025-03-04. Review status: criteria provided, single submitter. Criteria: ACMG Guidelines, 2015. Collection method: clinical testing. Allele origin: germline.

Ambry Genetics
Classification: Uncertain significance. Last evaluated: 2024-01-11. Review status: criteria provided, single submitter. Criteria: Ambry Variant Classification Scheme 2023. Collection method: clinical testing. Allele origin: germline.
Comment: The p.R1251W variant (also known as c.3751C>T), located in coding exon 7 of the MLH3 gene, results from a C to T substitution at nucleotide position 3751. The arginine at codon 1251 is replaced by tryptophan, an amino acid with dissimilar properties. This amino acid position is conserved. In addition, the in silico prediction for this alteration is inconclusive. Since supporting evidence is limited at this time, the clinical significance of this alteration remains unclear.

Illumina Laboratory Services, Illumina
Classification: Uncertain significance for Colorectal cancer, hereditary nonpolyposis, type 7. Last evaluated: 2018-01-12. Review status: criteria provided, single submitter. Criteria: ICSL Variant Classification Criteria 13 December 2019. Collection method: clinical testing. Allele origin: germline.

NM_001040108.2(MLH3):c.3751C>T (p.Arg1251Trp)

Gene: MLH3 (mutL homolog 3; minus strand). Cytogenetic location: 14q24.3.
Variant type: single nucleotide variant.
Coding change: c.3751C>T on transcript NM_001040108.2 (MANE Select); coding-DNA position 3751, C replaced by T.
Protein change: p.Arg1251Trp; replaces arginine 1251 with tryptophan.
Molecular consequence: missense variant.
Genome position (GRCh38, 1-based): chr14:75,032,144, G>A on the plus strand (C>T on the coding strand, the complement: MLH3 is on the minus strand). VCF-style: chr14-75032144-G-A. GRCh37 (hg19) VCF-style: chr14-75498847-G-A.
Other names: c.3679C>T, p.Arg1227Trp (NM_014381.3); short protein forms R1251W, R1227W.
Identifiers: ClinVar variation 838432 (VCV000838432.18), dbSNP rs754799700, ClinGen allele CA7275334.